The following is an entry in ClinVar:

NM_024649.5(BBS1):c.1313C>G (p.Thr438Arg)

Genes: BBS1 (Bardet-Biedl syndrome 1; plus strand), ZDHHC24 (zDHHC palmitoyltransferase 24; minus strand). Cytogenetic location: 11q13.2.
Variant type: single nucleotide variant.
Coding change: c.1313C>G on transcript NM_024649.5 (MANE Select); coding-DNA position 1313, C replaced by G.
Protein change: p.Thr438Arg; replaces threonine 438 with arginine.
Molecular consequence: missense variant. On other transcripts: intron variant (1).
Genome position (GRCh38, 1-based): chr11:66,526,781, C>G. VCF-style: chr11-66526781-C-G. GRCh37 (hg19) VCF-style: chr11-66294252-C-G.
Other names: c.*21+155G>C (NM_001348571.2); c.1313C>G (NM_024649.4); short protein forms T438R.
Identifiers: ClinVar variation 990067 (VCV000990067.11), dbSNP rs199711874, ClinGen allele CA6123695.
Genomic context (GRCh38, chr11:66,526,781, plus strand): 5'-CACCAGCCCAGGCCATGAAACTCAATGTGCCCCGAAAGACCCGGCTTTACGTGGATCAGA[C>G]ACTGCGAGAGCGGGAGGCTGGCACCGGTGAGCCTCAGACTGGGTCCTTTCCCTTCTTCCT-3'
Protein context (NP_078925.3, residues 428-448): PRKTRLYVDQ[Thr438Arg]LREREAGTAM

ClinVar aggregate classification (germline): Uncertain significance. Review status: criteria provided, multiple submitters, no conflicts (2 of 4 stars). 5 submissions from 5 submitters: Uncertain significance (4). 1 of the submissions does not count toward it. Last evaluated 2026-08-01.

Conditions:
BBS1-related disorder. Also called: BBS1-related condition.
Bardet-Biedl syndrome (BBS). Identifiers: Orphanet 110, MedGen C0752166, MONDO:0015229.
Bardet-Biedl syndrome 1 (BBS1). Identifiers: MedGen C2936862, MONDO:0008854, OMIM 209900. Disease mechanism: loss of function.

Allele frequency attached by ClinVar (database versions not stated): gnomAD exomes 0.00008 and 0.00026; TOPMed 0.00008; gnomAD 0.00011 and 0.00012; ExAC 0.00008; ESP Exome Variant Server 0.00031.
gnomAD v4.1: 389 of 1,614,128 alleles (0.024%); highest among the groups gnomAD compares: Non-Finnish European, 0.031%; no homozygotes.

Submissions (5):

PreventionGenetics, part of Exact Sciences
Classification: Uncertain significance for BBS1-related condition. Last evaluated: 2026-08-01. Review status: criteria provided, single submitter. Criteria: ACMG Guidelines, 2015. Collection method: clinical testing. Allele origin: germline.
Comment: The BBS1 c.1313C>G variant is predicted to result in the amino acid substitution p.Thr438Arg. This variant was reported along with a second BBS1 missense variant in an individual with a syndromic congenital heart disease (Best et al. 2022. PubMed ID: 35764379). This variant is reported in 0.016% of alleles in individuals of European (Non-Finnish) descent in gnomAD. At this time, the clinical significance of this variant is uncertain due to the absence of conclusive functional and genetic evidence.

Blueprint Genetics
Classification: Uncertain significance. Last evaluated: 2024-11-27. Review status: criteria provided, single submitter. Criteria: ACMG Guidelines, 2015. Collection method: clinical testing. Allele origin: germline.

Labcorp Genetics (formerly Invitae), Labcorp
Classification: Uncertain significance for Bardet-Biedl syndrome. Last evaluated: 2022-09-01. Review status: criteria provided, single submitter. Criteria: Invitae Variant Classification Sherloc (09022015). Collection method: clinical testing. Allele origin: germline.
Comment: This sequence change replaces threonine, which is neutral and polar, with arginine, which is basic and polar, at codon 438 of the BBS1 protein (p.Thr438Arg). This variant is present in population databases (rs199711874, gnomAD 0.02%). This variant has not been reported in the literature in individuals affected with BBS1-related conditions. ClinVar contains an entry for this variant (Variation ID: 990067). Algorithms developed to predict the effect of missense changes on protein structure and function are either unavailable or do not agree on the potential impact of this missense change (SIFT: "Deleterious"; PolyPhen-2: "Probably Damaging"; Align-GVGD: "Class C0"). In summary, the available evidence is currently insufficient to determine the role of this variant in disease. Therefore, it has been classified as a Variant of Uncertain Significance.

GeneDx
Classification: Uncertain significance. Last evaluated: 2019-04-04. Review status: criteria provided, single submitter. Criteria: GeneDx Variant Classification Process June 2021. Collection method: clinical testing. Allele origin: germline. Affected: yes.
Comment: In silico analysis, which includes protein predictors and evolutionary conservation, supports a deleterious effect; Has not been previously published as pathogenic or benign to our knowledge

Natera, Inc.
Classification: Uncertain significance for Bardet-Biedl syndrome type 1. Last evaluated: 2020-04-14. Review status: no assertion criteria provided. Collection method: clinical testing. Allele origin: germline. Not counted in ClinVar's aggregate classification.